The following is an entry in ClinVar:

NM_001256071.3(RNF213):c.715C>G (p.Gln239Glu)

Gene: RNF213 (ring finger protein 213; plus strand). Cytogenetic location: 17q25.3.
Variant type: single nucleotide variant.
Coding change: c.715C>G on transcript NM_001256071.3 (MANE Select); coding-DNA position 715, C replaced by G.
Protein change: p.Gln239Glu; replaces glutamine 239 with glutamic acid.
Molecular consequence: missense variant.
Genome position (GRCh38, 1-based): chr17:80,288,268, C>G. VCF-style: chr17-80288268-C-G. GRCh37 (hg19) VCF-style: chr17-78262067-C-G.
Other names: c.862C>G, p.Gln288Glu (NM_001410195.1, NM_020914.5); c.715C>G, p.Gln239Glu (NM_020954.4); short protein forms Q239E, Q288E.
Identifiers: ClinVar variation 2648405 (VCV002648405.27), dbSNP rs140807350, ClinGen allele CA8819325.

ClinVar aggregate classification (germline): Benign/Likely benign. Review status: criteria provided, multiple submitters, no conflicts (2 of 4 stars). 2 submissions from 2 submitters: Benign (1); Likely benign (1). Last evaluated 2024-12-06.

Allele frequency attached by ClinVar (database versions not stated): ESP Exome Variant Server 0.00031; TOPMed 0.00043; 1000 Genomes Project 30x 0.00047; gnomAD 0.00050; 1000 Genomes Project 0.00060; ExAC 0.00071.
gnomAD v4.1: 1,132 of 1,613,270 alleles (0.07%); highest among the groups gnomAD compares: Non-Finnish European, 0.087%; 2 homozygotes.

Submissions (2):

Labcorp Genetics (formerly Invitae), Labcorp
Classification: Benign. Last evaluated: 2024-12-06. Review status: criteria provided, single submitter. Criteria: Invitae Variant Classification Sherloc (09022015). Collection method: clinical testing. Allele origin: germline.

CeGaT Center for Human Genetics Tuebingen
Classification: Likely benign. Last evaluated: 2022-11-01. Review status: criteria provided, single submitter. Criteria: CeGaT Center For Human Genetics Tuebingen Variant Classification Criteria Version 2. Collection method: clinical testing. Allele origin: germline. Affected: yes. Observed: 1 variant allele.
Comment: RNF213: BP4